The following is an entry in ClinVar:

ClinVar aggregate classification (germline): Uncertain significance (1 of 4 stars; one submission).

Submission:

GeneDx
Classification: Uncertain significance. Last evaluated: 2017-03-02. Review status: criteria provided, single submitter. Criteria: GeneDx Variant Classification (06012015). Collection method: clinical testing. Allele origin: germline. Affected: yes.
Comment: A novel variant of uncertain significance has been identified in the ACTA2 gene. The T320P variant has not been published as a pathogenic variant, nor has it been reported as a benign variant to our knowledge. It was not observed in approximately 6,500 individuals of European and African American ancestry in the NHLBI Exome Sequencing Project, indicating it is not a common benign variant in these populations. The T320P variant is a non-conservative amino acid substitution, which is likely to impact secondary protein structure as these residues differ in polarity, charge, size and/or other properties, and this substitution occurs at a position that is conserved across species. Moreover, missense variants in nearby residues (T326N, K328N) have been reported in the Human Gene Mutation Database in association with TAAD (Stenson et al., 2014), supporting the functional importance of this region of the protein. Nevertheless, in silico analysis is inconsistent in its predictions as to whether or not the variant is damaging to the protein structure/function.

NM_001613.4(ACTA2):c.958A>C (p.Thr320Pro)

Genes: ACTA2 (actin alpha 2, smooth muscle; minus strand), ACTA2-AS1 (ACTA2 antisense RNA 1; plus strand). Cytogenetic location: 10q23.31.
Variant type: single nucleotide variant.
Coding change: c.958A>C on transcript NM_001613.4 (MANE Select); coding-DNA position 958, A replaced by C.
Protein change: p.Thr320Pro; replaces threonine 320 with proline.
Molecular consequence: missense variant.
Genome position (GRCh38, 1-based): chr10:88,938,093, T>G on the plus strand (A>C on the coding strand, the complement: ACTA2 is on the minus strand). VCF-style: chr10-88938093-T-G. GRCh37 (hg19) VCF-style: chr10-90697850-T-G.
Other names: c.958A>C, p.Thr320Pro (NM_001141945.3, NM_001320855.2, NM_001406462.1 and 2 more transcripts); c.847A>C, p.Thr283Pro (NM_001406466.1); c.829A>C, p.Thr277Pro (NM_001406467.1, NM_001406468.1, NM_001406469.1); c.766A>C, p.Thr256Pro (NM_001406471.1); short protein forms T320P, T256P, T277P, T283P.
Identifiers: ClinVar variation 383209 (VCV000383209.4), dbSNP rs1803027, ClinGen allele CA16605723.